The following is an entry in ClinVar:

NM_001048174.2(MUTYH):c.341T>C (p.Val114Ala)

Gene: MUTYH (mutY DNA glycosylase; minus strand). Cytogenetic location: 1p34.1.
Variant type: single nucleotide variant.
Coding change: c.341T>C on transcript NM_001048174.2 (MANE Select); coding-DNA position 341, T replaced by C.
Protein change: p.Val114Ala; replaces valine 114 with alanine.
Molecular consequence: missense variant. On other transcripts: non-coding transcript variant (6), intron variant (3).
Genome position (GRCh38, 1-based): chr1:45,333,134, A>G on the plus strand (T>C on the coding strand, the complement: MUTYH is on the minus strand). VCF-style: chr1-45333134-A-G. GRCh37 (hg19) VCF-style: chr1-45798806-A-G.
Other names: c.341T>C, p.Val114Ala (NM_001048171.2, NM_001048173.2, NM_001293195.2 and 6 more transcripts); c.344T>C, p.Val115Ala (NM_001048172.2, NM_001407071.1, NM_001407078.1 and 2 more transcripts); c.425T>C, p.Val142Ala (NM_001128425.2); c.386T>C, p.Val129Ala (NM_001293190.2); c.374T>C, p.Val125Ala (NM_001293191.2, NM_001407077.1); c.65T>C, p.Val22Ala (NM_001293192.2, NM_001293196.2, NM_001407091.1); c.416T>C, p.Val139Ala (NM_001407069.1, NM_012222.3); c.383T>C, p.Val128Ala (NM_001407073.1, NM_001407083.1, NM_001407085.1); and 3 more; short protein forms V86A, V115A, V128A, V142A, V114A, V139A, V121A, V125A.
Identifiers: ClinVar variation 4113650 (VCV004113650.1).
Genomic context (GRCh38, chr1:45,333,134, plus strand): 5'-TTCCCTTCCTCCCCTGGAGTCACCTGCATCCATCCGGTATAGTAGTTGATCACAGTGGCA[A>G]CCTGGGTCTGCTGCAGCATGACCTCTGAGACCCACACTGGGGGAAAGGGGTTGGCATGAG-3'
Protein context (NP_001041639.1, residues 104-124): VSEVMLQQTQ[Val114Ala]ATVINYYTGW

ClinVar aggregate classification (germline): Uncertain significance (1 of 4 stars; one submission).

Conditions:
Hereditary cancer-predisposing syndrome. Also called: Hereditary neoplastic syndrome; Neoplastic Syndromes, Hereditary; Tumor predisposition; Hereditary Cancer Syndrome. Identifiers: Orphanet 140162, MedGen C0027672, MeSH D009386, MONDO:0015356.

Submission:

Ambry Genetics
Classification: Uncertain significance for Hereditary cancer-predisposing syndrome. Last evaluated: 2025-08-27. Review status: criteria provided, single submitter. Criteria: Ambry Variant Classification Scheme 2023. Collection method: clinical testing. Allele origin: germline.
Comment: The p.V142A variant (also known as c.425T>C), located in coding exon 5 of the MUTYH gene, results from a T to C substitution at nucleotide position 425. The valine at codon 142 is replaced by alanine, an amino acid with similar properties. This amino acid position is conserved. In addition, this alteration is predicted to be deleterious by in silico analysis. Based on the available evidence, the clinical significance of this variant remains unclear.